The following is an entry in ClinVar:

ClinVar aggregate classification (germline): Likely benign. Review status: criteria provided, single submitter (1 of 4 stars). 2 submissions from 2 submitters: Likely benign (1). 1 of the submissions does not count toward it. Last evaluated 2025-12-03.

Conditions:
LZTFL1-related disorder. Also called: LZTFL1-related condition.

Allele frequency attached by ClinVar (database versions not stated): TOPMed 0.00002; ExAC 0.00001; gnomAD 0.00001; gnomAD exomes 0.00001.
gnomAD v4.1: 24 of 1,612,004 alleles (0.0015%); highest among the groups gnomAD compares: African/African-American, 0.0027%; no homozygotes.

Submissions (2):

Labcorp Genetics (formerly Invitae), Labcorp
Classification: Likely benign. Last evaluated: 2025-12-03. Review status: criteria provided, single submitter. Criteria: Invitae Variant Classification Sherloc (09022015). Collection method: clinical testing. Allele origin: germline.

PreventionGenetics, part of Exact Sciences
Classification: Likely benign for LZTFL1-related condition. Last evaluated: 2022-04-11. Review status: no assertion criteria provided. Collection method: clinical testing. Allele origin: germline. Not counted in ClinVar's aggregate classification.
Comment: This variant is classified as likely benign based on ACMG/AMP sequence variant interpretation guidelines (Richards et al. 2015 PMID: 25741868, with internal and published modifications).

NM_020347.4(LZTFL1):c.42T>C (p.Val14=)

Gene: LZTFL1 (leucine zipper transcription factor like 1; minus strand). Cytogenetic location: 3p21.31.
Variant type: single nucleotide variant.
Coding change: c.42T>C on transcript NM_020347.4 (MANE Select); coding-DNA position 42, T replaced by C.
Protein change: p.Val14=; no amino-acid change (valine 14 retained).
Molecular consequence: synonymous variant. On other transcripts: 5 prime UTR variant (7), intron variant (2).
Genome position (GRCh38, 1-based): chr3:45,838,013, A>G on the plus strand (T>C on the coding strand, the complement: LZTFL1 is on the minus strand). VCF-style: chr3-45838013-A-G. GRCh37 (hg19) VCF-style: chr3-45879505-A-G.
Other names: c.42T>C (NM_020347.3); c.-10T>C (NM_001276378.2, NM_001386451.1, NM_001405922.1 and 4 more transcripts); c.42T>C, p.Val14= (NM_001386452.1, NM_001405924.1); c.66T>C, p.Val22= (NM_001405920.1, NM_001405925.1); c.117-2229T>C (NM_001276379.2, NM_001405921.1).
Identifiers: ClinVar variation 3005975 (VCV003005975.5), dbSNP rs775472606, ClinGen allele CA2352025.